The following is an entry in ClinVar:

ClinVar aggregate classification (germline): Conflicting classifications of pathogenicity. Review status: criteria provided, conflicting classifications (1 of 4 stars). 2 submissions from 1 submitter: Uncertain significance (1); Benign (1). Last evaluated 2018-01-12.

Conditions:
Tangier disease (TGD). Also called: HIGH DENSITY LIPOPROTEIN DEFICIENCY, TANGIER TYPE; HIGH DENSITY LIPOPROTEIN DEFICIENCY, TYPE 1; Cholesterol thesaurismosis. Identifiers: Orphanet 31150, MedGen C0039292, MONDO:0008783, OMIM 205400.
Hypoalphalipoproteinemia, primary, 1. Identifiers: Orphanet 425, MedGen C5231558, MONDO:0011393, OMIM 604091.

Allele frequency attached by ClinVar (database versions not stated): ESP Exome Variant Server 0.00008; gnomAD 0.00010; TOPMed 0.00014; gnomAD exomes 0.00024; ExAC 0.00026; 1000 Genomes Project 30x 0.00031; 1000 Genomes Project 0.00040.
gnomAD v4.1: 175 of 1,613,984 alleles (0.011%); highest among the groups gnomAD compares: South Asian, 0.1%; 4 homozygotes.

Submissions (2):

Illumina Laboratory Services, Illumina
Classification: Benign for Hypoalphalipoproteinemia, primary, 1. Last evaluated: 2018-01-12. Review status: criteria provided, single submitter. Criteria: ICSL Variant Classification Criteria 13 December 2019. Collection method: clinical testing. Allele origin: germline.
Comment: This variant was observed in the ICSL laboratory as part of a predisposition screen in an ostensibly healthy population. It had not been previously curated by ICSL or reported in the Human Gene Mutation Database (HGMD: prior to June 1st, 2018), and was therefore a candidate for classification through an automated scoring system. Utilizing variant allele frequency, disease prevalence and penetrance estimates, and inheritance mode, an automated score was calculated to assess if this variant is too frequent to cause the disease. Based on the score and internal cut-off values, a variant classified as benign is not then subjected to further curation. The score for this variant resulted in a classification of benign for this disease.

Illumina Laboratory Services, Illumina
Classification: Uncertain significance for Tangier disease. Last evaluated: 2018-01-12. Review status: criteria provided, single submitter. Criteria: ICSL Variant Classification Criteria 13 December 2019. Collection method: clinical testing. Allele origin: germline.

NM_005502.4(ABCA1):c.*19G>T

Genes: ABCA1 (ATP binding cassette subfamily A member 1; minus strand), NIPSNAP3B (nipsnap homolog 3B; plus strand). Cytogenetic location: 9q31.1.
Variant type: single nucleotide variant.
Coding change: c.*19G>T on transcript NM_005502.4 (MANE Select); 19 bases downstream of the stop codon, G replaced by T.
Molecular consequence: 3 prime UTR variant.
Genome position (GRCh38, 1-based): chr9:104,784,296, C>A on the plus strand (G>T on the coding strand, the complement: ABCA1 is on the minus strand). VCF-style: chr9-104784296-C-A. GRCh37 (hg19) VCF-style: chr9-107546577-C-A.
Identifiers: ClinVar variation 364375 (VCV000364375.5), dbSNP rs368288959, ClinGen allele CA5167459.
Genomic context (GRCh38, chr9:104,784,296, plus strand): 5'-TTCTCCACAACACTTCACATGGTGCAAAGGAAAGTCTAGTTCCTCTTTACTTTCAGCCAC[C>A]CCGTATGAACAGGATTCTTCATACATAGCTTTCTTTCACTTTCTCATCCTGTAGAAAAGA-3'